The following is an entry in ClinVar:

ClinVar aggregate classification (germline): Uncertain significance. Review status: criteria provided, multiple submitters, no conflicts (2 of 4 stars). 2 submissions from 2 submitters: Uncertain significance (2). Last evaluated 2025-08-22.

Allele frequency attached by ClinVar (database versions not stated): gnomAD exomes below 0.00001.
gnomAD v4.1: 1 of 1,588,842 alleles (0.000063%); highest among the groups gnomAD compares: East Asian, 0.0022%; no homozygotes.

Submissions (2):

Ambry Genetics
Classification: Uncertain significance. Last evaluated: 2025-08-22. Review status: criteria provided, single submitter. Criteria: Ambry Variant Classification Scheme 2023. Collection method: clinical testing. Allele origin: germline.
Comment: The p.N33H variant (also known as c.97A>C), located in coding exon 3 of the RINT1 gene, results from an A to C substitution at nucleotide position 97. The asparagine at codon 33 is replaced by histidine, an amino acid with similar properties. This amino acid position is conserved. In addition, this alteration is predicted to be tolerated by in silico analysis. Since supporting evidence is limited at this time, the clinical significance of this alteration remains unclear.

Labcorp Genetics (formerly Invitae), Labcorp
Classification: Uncertain significance. Last evaluated: 2023-11-27. Review status: criteria provided, single submitter. Criteria: Invitae Variant Classification Sherloc (09022015). Collection method: clinical testing. Allele origin: germline.
Comment: This sequence change replaces asparagine, which is neutral and polar, with histidine, which is basic and polar, at codon 33 of the RINT1 protein (p.Asn33His). This variant is not present in population databases (gnomAD no frequency). This variant has not been reported in the literature in individuals affected with RINT1-related conditions. ClinVar contains an entry for this variant (Variation ID: 1057854). Algorithms developed to predict the effect of missense changes on protein structure and function output the following: SIFT: "Not Available"; PolyPhen-2: "Benign"; Align-GVGD: "Not Available". The histidine amino acid residue is found in multiple mammalian species, which suggests that this missense change does not adversely affect protein function. In summary, the available evidence is currently insufficient to determine the role of this variant in disease. Therefore, it has been classified as a Variant of Uncertain Significance.

NM_021930.6(RINT1):c.97A>C (p.Asn33His)

Gene: RINT1 (RAD50 interactor 1; plus strand). Cytogenetic location: 7q22.3.
Variant type: single nucleotide variant.
Coding change: c.97A>C on transcript NM_021930.6 (MANE Select); coding-DNA position 97, A replaced by C.
Protein change: p.Asn33His; replaces asparagine 33 with histidine.
Molecular consequence: missense variant. On other transcripts: 5 prime UTR variant (4), non-coding transcript variant (1).
Genome position (GRCh38, 1-based): chr7:105,536,573, A>C. VCF-style: chr7-105536573-A-C. GRCh37 (hg19) VCF-style: chr7-105177020-A-C.
Other names: c.-1A>C (NM_001346599.2); c.-923A>C (NM_001346600.2); c.-826A>C (NM_001346601.2); c.-446A>C (NM_001346603.2); short protein forms N33H.
Identifiers: ClinVar variation 1057854 (VCV001057854.12), dbSNP rs2133357802, ClinGen allele CA368799949.